The following is an entry in ClinVar:

ClinVar aggregate classification (germline): Conflicting classifications of pathogenicity. Review status: criteria provided, conflicting classifications (1 of 4 stars). 4 submissions from 4 submitters: Uncertain significance (3); Likely benign (1). Last evaluated 2026-02-11.

Conditions:
Monosomy 7 myelodysplasia and leukemia syndrome 2. Identifiers: MedGen C5436668, MONDO:0030801, OMIM 619041.
Inborn genetic diseases. Identifiers: MedGen C0950123, MeSH D030342.

Allele frequency attached by ClinVar (database versions not stated): gnomAD 0.00007; ESP Exome Variant Server 0.00015; gnomAD exomes 0.00009 and 0.00017; TOPMed 0.00010; ExAC 0.00010.
gnomAD v4.1: 257 of 1,613,906 alleles (0.016%); highest among the groups gnomAD compares: Non-Finnish European, 0.021%; no homozygotes.

Submissions (4):

St. Jude Molecular Pathology, St. Jude Children's Research Hospital
Classification: Uncertain significance for Monosomy 7 myelodysplasia and leukemia syndrome 2. Last evaluated: 2026-02-11. Review status: criteria provided, single submitter. Criteria: St. Jude Assertion Criteria 2020. Collection method: clinical testing. Allele origin: germline.
Comment: The SAMD9 c.2254T>A p.(Trp752Arg) missense change has a maximum subpopulation frequency of 0.017% in gnomAD v2.1.1. The in silico tool REVEL predicts a deleterious effect on protein function, however in silico predictions have not been found to correlate with syndromic risk and are thus not considered supporting evidence of a pathogenic or benign effect (PMID: 34621053). To our knowledge, this variant has not been reported in individuals with SAMD9-associated conditions. In summary, the evidence currently available is insufficient to determine the clinical significance of this variant. It has therefore been classified as of uncertain significance.

GeneDx
Classification: Uncertain significance. Last evaluated: 2025-01-13. Review status: criteria provided, single submitter. Criteria: GeneDx Variant Classification Process June 2021. Collection method: clinical testing. Allele origin: germline.
Comment: In silico analysis supports that this missense variant has a deleterious effect on protein structure/function; This variant is associated with the following publications: (PMID: 34308104, 28545555, 36357925)

Labcorp Genetics (formerly Invitae), Labcorp
Classification: Uncertain significance. Last evaluated: 2024-12-10. Review status: criteria provided, single submitter. Criteria: Invitae Variant Classification Sherloc (09022015). Collection method: clinical testing. Allele origin: germline.
Comment: This sequence change replaces tryptophan, which is neutral and slightly polar, with arginine, which is basic and polar, at codon 752 of the SAMD9 protein (p.Trp752Arg). This variant is present in population databases (rs148339415, gnomAD 0.02%). This missense change has been observed in individual(s) with acute lymphocytic leukemia (PMID: 34308104). ClinVar contains an entry for this variant (Variation ID: 1422840). Invitae Evidence Modeling of protein sequence and biophysical properties (such as structural, functional, and spatial information, amino acid conservation, physicochemical variation, residue mobility, and thermodynamic stability) has been performed for this missense variant. However, the output from this modeling did not meet the statistical confidence thresholds required to predict the impact of this variant on SAMD9 protein function. In summary, the available evidence is currently insufficient to determine the role of this variant in disease. Therefore, it has been classified as a Variant of Uncertain Significance.

Ambry Genetics
Classification: Likely benign for Inborn genetic diseases. Last evaluated: 2022-05-06. Review status: criteria provided, single submitter. Criteria: Ambry Variant Classification Scheme 2023. Collection method: clinical testing. Allele origin: germline.

Literature cited by the submitters: PubMed 34308104 (cited by Labcorp Genetics (formerly Invitae), Labcorp).

NM_017654.4(SAMD9):c.2254T>A (p.Trp752Arg)

Gene: SAMD9 (sterile alpha motif domain containing 9; minus strand). Cytogenetic location: 7q21.2.
Variant type: single nucleotide variant.
Coding change: c.2254T>A on transcript NM_017654.4 (MANE Select); coding-DNA position 2254, T replaced by A.
Protein change: p.Trp752Arg; replaces tryptophan 752 with arginine.
Molecular consequence: missense variant.
Genome position (GRCh38, 1-based): chr7:93,103,844, A>T on the plus strand (T>A on the coding strand, the complement: SAMD9 is on the minus strand). VCF-style: chr7-93103844-A-T. GRCh37 (hg19) VCF-style: chr7-92733157-A-T.
Other names: c.2254T>A, p.Trp752Arg (NM_001193307.2); short protein forms W752R.
Identifiers: ClinVar variation 1422840 (VCV001422840.8), dbSNP rs148339415, ClinGen allele CA4342867.
Genomic context (GRCh38, chr7:93,103,844, plus strand): 5'-CAGAAAAATCCACTGTCTTGTTTTTCAGCACAGCACATCTGAATTTCTTCCTTAGTTCCC[A>T]GAGAATGTGCATAGCCAAGGTAGTTCCCCCACAGCCTGGATGATGATACAGATGAATAAT-3'
Protein context (NP_060124.2, residues 742-762): GGTTLAMHIL[Trp752Arg]ELRKKFRCAV